The following is an entry in ClinVar:

NM_003900.5(SQSTM1):c.695C>T (p.Pro232Leu)

Gene: SQSTM1 (sequestosome 1; plus strand). Cytogenetic location: 5q35.3.
Variant type: single nucleotide variant.
Coding change: c.695C>T on transcript NM_003900.5 (MANE Select); coding-DNA position 695, C replaced by T.
Protein change: p.Pro232Leu; replaces proline 232 with leucine.
Molecular consequence: missense variant.
Genome position (GRCh38, 1-based): chr5:179,825,167, C>T. VCF-style: chr5-179825167-C-T. GRCh37 (hg19) VCF-style: chr5-179252167-C-T.
Other names: c.443C>T, p.Pro148Leu (NM_001142298.2, NM_001142299.2); short protein forms P148L, P232L.
Identifiers: ClinVar variation 969651 (VCV000969651.7), dbSNP rs757778292, ClinGen allele CA3600621.

ClinVar aggregate classification (germline): Uncertain significance (1 of 4 stars; one submission).

Conditions:
Frontotemporal dementia and/or amyotrophic lateral sclerosis 1 (FTDALS1). Also called: C9orf72 Frontotemporal Dementia and/or Amyotrophic Lateral Sclerosis; Frontotemporal dementia with motor neuron disease 1. Identifiers: Orphanet 275872, MedGen C5779877, MONDO:0007105, OMIM 105550.
Paget disease of bone 2, early-onset (PDB2). Also called: Paget disease of bone 2. Identifiers: MedGen C4085251, MONDO:0011183, OMIM 602080.

Allele frequency attached by ClinVar (database versions not stated): ExAC 0.00001; gnomAD 0.00001; gnomAD exomes 0.00001; TOPMed 0.00003.
gnomAD v4.1: 11 of 1,613,952 alleles (0.00068%); highest among the groups gnomAD compares: African/African-American, 0.0027%; no homozygotes.

Submission:

Labcorp Genetics (formerly Invitae), Labcorp
Classification: Uncertain significance for Paget disease of bone 2, early-onset; Frontotemporal dementia and/or amyotrophic lateral sclerosis 1. Last evaluated: 2025-03-01. Review status: criteria provided, single submitter. Criteria: Invitae Variant Classification Sherloc (09022015). Collection method: clinical testing. Allele origin: germline.
Comment: This sequence change replaces proline, which is neutral and non-polar, with leucine, which is neutral and non-polar, at codon 232 of the SQSTM1 protein (p.Pro232Leu). This variant is present in population databases (rs757778292, gnomAD 0.007%). This variant has not been reported in the literature in individuals affected with SQSTM1-related conditions. ClinVar contains an entry for this variant (Variation ID: 969651). Invitae Evidence Modeling of protein sequence and biophysical properties (such as structural, functional, and spatial information, amino acid conservation, physicochemical variation, residue mobility, and thermodynamic stability) indicates that this missense variant is not expected to disrupt SQSTM1 protein function with a negative predictive value of 80%. In summary, the available evidence is currently insufficient to determine the role of this variant in disease. Therefore, it has been classified as a Variant of Uncertain Significance.